The following is an entry in ClinVar:

ClinVar aggregate classification (germline): Uncertain significance (1 of 4 stars; one submission).

Allele frequency attached by ClinVar (database versions not stated): gnomAD 0.00001; TOPMed 0.00002.
gnomAD v4.1: 6 of 1,555,374 alleles (0.00039%); highest among the groups gnomAD compares: Admixed American, 0.0097%; no homozygotes.

Submission:

Labcorp Genetics (formerly Invitae), Labcorp
Classification: Uncertain significance. Last evaluated: 2022-09-19. Review status: criteria provided, single submitter. Criteria: Invitae Variant Classification Sherloc (09022015). Collection method: clinical testing. Allele origin: germline.
Comment: This sequence change replaces serine, which is neutral and polar, with asparagine, which is neutral and polar, at codon 24 of the SERPINF1 protein (p.Ser24Asn). This variant is present in population databases (no rsID available, gnomAD 0.02%). This variant has not been reported in the literature in individuals affected with SERPINF1-related conditions. Algorithms developed to predict the effect of missense changes on protein structure and function are either unavailable or do not agree on the potential impact of this missense change (SIFT: "Not Available"; PolyPhen-2: "Benign"; Align-GVGD: "Not Available"). In summary, the available evidence is currently insufficient to determine the role of this variant in disease. Therefore, it has been classified as a Variant of Uncertain Significance.

NM_002615.7(SERPINF1):c.71G>A (p.Ser24Asn)

Gene: SERPINF1 (serpin family F member 1; plus strand). Cytogenetic location: 17p13.3.
Variant type: single nucleotide variant.
Coding change: c.71G>A on transcript NM_002615.7 (MANE Select); coding-DNA position 71, G replaced by A.
Protein change: p.Ser24Asn; replaces serine 24 with asparagine.
Molecular consequence: missense variant. On other transcripts: intron variant (1).
Genome position (GRCh38, 1-based): chr17:1,766,981, G>A. VCF-style: chr17-1766981-G-A. GRCh37 (hg19) VCF-style: chr17-1670275-G-A.
Other names: c.71G>A, p.Ser24Asn (NM_001329903.2); c.-477-2871G>A (NM_001329904.2); short protein forms S24N.
Identifiers: ClinVar variation 1965603 (VCV001965603.2), dbSNP rs1039835757, ClinGen allele CA286836368.
Genomic context (GRCh38, chr17:1,766,981, plus strand): 5'-TGGTGCTACTCCTCTGCATTGGAGCCCTCCTCGGGCACAGCAGCTGCCAGAACCCTGCCA[G>A]CCCCCCGGAGGAGGTCAGTAGGCAGGCGGGGAGGGCGTGGTCAGCATTCCCCGCCCCTCC-3'
Protein context (NP_002606.3, residues 14-34): LGHSSCQNPA[Ser24Asn]PPEEGSPDPD